The following is an entry in ClinVar:

ClinVar aggregate classification (germline): Uncertain significance (1 of 4 stars; one submission).

Conditions:
Hereditary sensory and autonomic neuropathy type 6. Also called: Neuropathy, hereditary sensory and autonomic, type VI; HSAN VI. Identifiers: Orphanet 314381, MedGen C3539003, MONDO:0013839, OMIM 614653.
Epidermolysis bullosa simplex 3, localized or generalized intermediate, with BP230 deficiency (EBS3). Also called: Epidermolysis bullosa simplex due to BP230 deficiency; Epidermolysis bullosa simplex, autosomal recessive 2. Identifiers: Orphanet 412181, MedGen C3809470, MONDO:0014180, OMIM 615425.

Allele frequency attached by ClinVar (database versions not stated): gnomAD exomes below 0.00001; TOPMed below 0.00001; gnomAD 0.00001.
gnomAD v4.1: 2 of 1,613,520 alleles (0.00012%); highest among the groups gnomAD compares: Non-Finnish European, 0.00017%; no homozygotes.

Submission:

Labcorp Genetics (formerly Invitae), Labcorp
Classification: Uncertain significance for Epidermolysis bullosa simplex 3, localized or generalized intermediate, with BP230 deficiency; Hereditary sensory and autonomic neuropathy type 6. Last evaluated: 2019-07-22. Review status: criteria provided, single submitter. Criteria: Invitae Variant Classification Sherloc (09022015). Collection method: clinical testing. Allele origin: germline.
Comment: In summary, the available evidence is currently insufficient to determine the role of this variant in disease. Therefore, it has been classified as a Variant of Uncertain Significance. Algorithms developed to predict the effect of missense changes on protein structure and function (SIFT, PolyPhen-2, Align-GVGD) all suggest that this variant is likely to be tolerated, but these predictions have not been confirmed by published functional studies and their clinical significance is uncertain. This variant has not been reported in the literature in individuals with DST-related conditions. This variant is not present in population databases (ExAC no frequency). This sequence change replaces glutamic acid with lysine at codon 1311 of the DST protein (p.Glu1311Lys). The glutamic acid residue is weakly conserved and there is a small physicochemical difference between glutamic acid and lysine.

NM_001723.7(DST):c.3931G>A (p.Glu1311Lys)

Gene: DST (dystonin; minus strand). Cytogenetic location: 6p12.1.
Variant type: single nucleotide variant.
Coding change: c.3931G>A on transcript NM_001723.7 (MANE Plus Clinical); coding-DNA position 3931, G replaced by A.
Protein change: p.Glu1311Lys; replaces glutamic acid 1311 with lysine.
Molecular consequence: missense variant. On other transcripts: intron variant (10).
Genome position (GRCh38, 1-based): chr6:56,620,103, C>T on the plus strand (G>A on the coding strand, the complement: DST is on the minus strand). VCF-style: chr6-56620103-C-T. GRCh37 (hg19) VCF-style: chr6-56484901-C-T.
Other names: c.4830+4427G>A (NM_001144769.5); c.4929+4427G>A (NM_001374722.1, NM_001374736.1); c.4956+4427G>A (NM_001374734.1); c.4416+4427G>A (NM_001144770.2); c.4296+4427G>A (NM_001374730.1, NM_001386100.1, NM_183380.4 and 1 more transcripts); c.3318+4427G>A (NM_015548.5); short protein forms E1311K.
Identifiers: ClinVar variation 957065 (VCV000957065.10), dbSNP rs1405502818, ClinGen allele CA364570798.